The following is an entry in ClinVar:

NM_000441.2(SLC26A4):c.317C>T (p.Ala106Val)

Gene: SLC26A4 (solute carrier family 26 member 4; plus strand). Cytogenetic location: 7q22.3.
Variant type: single nucleotide variant.
Coding change: c.317C>T on transcript NM_000441.2 (MANE Select); coding-DNA position 317, C replaced by T.
Protein change: p.Ala106Val; replaces alanine 106 with valine.
Molecular consequence: missense variant.
Genome position (GRCh38, 1-based): chr7:107,672,150, C>T. VCF-style: chr7-107672150-C-T. GRCh37 (hg19) VCF-style: chr7-107312595-C-T.
Other names: short protein forms A106V.
Identifiers: ClinVar variation 560910 (VCV000560910.8), dbSNP rs1562822565, ClinGen allele CA368846941.

ClinVar aggregate classification (germline): Likely pathogenic. Review status: criteria provided, multiple submitters, no conflicts (2 of 4 stars). 4 submissions from 4 submitters: Likely pathogenic (2). 2 of the submissions do not count toward it. Last evaluated 2025-01-08.

Conditions:
Deafness. Identifiers: MedGen C0011053.
Hearing loss, autosomal recessive. Also called: Autosomal recessive nonsyndromic deafness; Deafness, autosomal recessive; Rare autosomal recessive non-syndromic sensorineural deafness type DFNB; Nonsyndromic Hearing Loss, Recessive. Identifiers: Orphanet 90635, Orphanet 90636, MedGen C1846647, MONDO:0019588, OMIM 607197.
Pendred syndrome (PDS). Also called: Pendred Syndrome (PDS); Pendred's syndrome; DEAFNESS WITH GOITER; GOITER-DEAFNESS SYNDROME; HYPOTHYROIDISM, CONGENITAL, DUE TO DYSHORMONOGENESIS, 2B; THYROID DYSHORMONOGENESIS 2B. Identifiers: Orphanet 705, MedGen C0271829, MONDO:0010134, OMIM 274600.

Allele frequency attached by ClinVar (database versions not stated): gnomAD exomes below 0.00001; gnomAD 0.00001.
gnomAD v4.1: 2 of 1,607,844 alleles (0.00012%); highest among the groups gnomAD compares: Non-Finnish European, 0.000085%; no homozygotes.

Submissions (4):

Women's Health and Genetics/Laboratory Corporation of America, LabCorp
Classification: Likely pathogenic for Pendred syndrome. Last evaluated: 2025-01-08. Review status: criteria provided, single submitter. Criteria: LabCorp Variant Classification Summary - May 2015. Collection method: clinical testing. Allele origin: germline.
Comment: Variant summary: SLC26A4 c.317C>T (p.Ala106Val) results in a non-conservative amino acid change located in the Sulfate permease family domain (IPR011547) of the encoded protein sequence. Five of five in-silico tools predict a damaging effect of the variant on protein function. The variant was absent in 251406 control chromosomes. c.317C>T has been reported in the literature in at least one homozygous individual from a family affected with nonsyndromic autosomal recessive hearing loss (e.g. Richard_2019). These data indicate that the variant may be associated with disease. To our knowledge, no experimental evidence demonstrating an impact on protein function has been reported. A different variant located at the same codon (c.317C>A, p.Ala106Asp) has been classified as pathogenic, supporting a critical relevance of this residue to SLC26A4 protein function. The following publication has been ascertained in the context of this evaluation (PMID: 30303587). ClinVar contains an entry for this variant (Variation ID: 560910). Based on the evidence outlined above, the variant was classified as likely pathogenic.

Labcorp Genetics (formerly Invitae), Labcorp
Classification: Likely pathogenic. Last evaluated: 2022-06-01. Review status: criteria provided, single submitter. Criteria: Invitae Variant Classification Sherloc (09022015). Collection method: clinical testing. Allele origin: germline.
Comment: In summary, the currently available evidence indicates that the variant is pathogenic, but additional data are needed to prove that conclusively. Therefore, this variant has been classified as Likely Pathogenic. This variant disrupts the p.Ala106 amino acid residue in SLC26A4. Other variant(s) that disrupt this residue have been determined to be pathogenic (PMID: 11317356, 29372807, 34170635). This suggests that this residue is clinically significant, and that variants that disrupt this residue are likely to be disease-causing. Advanced modeling of protein sequence and biophysical properties (such as structural, functional, and spatial information, amino acid conservation, physicochemical variation, residue mobility, and thermodynamic stability) performed at Invitae indicates that this missense variant is expected to disrupt SLC26A4 protein function. ClinVar contains an entry for this variant (Variation ID: 560910). This missense change has been observed in individual(s) with deafness (PMID: 30303587). This variant is not present in population databases (gnomAD no frequency). This sequence change replaces alanine, which is neutral and non-polar, with valine, which is neutral and non-polar, at codon 106 of the SLC26A4 protein (p.Ala106Val).

Center for Statistical Genetics, Columbia University
Classification: Pathogenic for Deafness. Last evaluated: 2018-09-10. Review status: no assertion criteria provided. Collection method: research. Allele origin: inherited. Affected: yes. Not counted in ClinVar's aggregate classification.
Comment: Autosomal recessive

University of Washington Center for Mendelian Genomics, University of Washington
Classification: Likely pathogenic for non-syndromic autosomal recessive hearing loss. Review status: no assertion criteria provided. Collection method: research. Allele origin: inherited. Affected: yes. Not counted in ClinVar's aggregate classification.

Literature cited by the submitters: PubMed 30303587 (cited by 3 submitters); PubMed 11317356 (cited by Labcorp Genetics (formerly Invitae), Labcorp); PubMed 29372807 (cited by Labcorp Genetics (formerly Invitae), Labcorp); PubMed 34170635 (cited by Labcorp Genetics (formerly Invitae), Labcorp).